The following is an entry in ClinVar:

ClinVar aggregate classification (germline): Likely benign (0 of 4 stars; one submission).

Conditions:
ATP10A-related disorder. Also called: ATP10A-related condition.

Allele frequency attached by ClinVar (database versions not stated): 1000 Genomes Project 0.00100; ExAC 0.00112; 1000 Genomes Project 30x 0.00141.
gnomAD v4.1: 502 of 1,339,666 alleles (0.037%); highest among the groups gnomAD compares: African/African-American, 0.69%; 2 homozygotes.

Submission:

PreventionGenetics, part of Exact Sciences
Classification: Likely benign for ATP10A-related condition. Last evaluated: 2019-02-20. Review status: no assertion criteria provided. Collection method: clinical testing. Allele origin: germline.
Comment: This variant is classified as likely benign based on ACMG/AMP sequence variant interpretation guidelines (Richards et al. 2015 PMID: 25741868, with internal and published modifications).

NM_024490.4(ATP10A):c.78G>T (p.Thr26=)

Gene: ATP10A (ATPase phospholipid transporting 10A (putative); minus strand). Cytogenetic location: 15q12.
Variant type: single nucleotide variant.
Coding change: c.78G>T on transcript NM_024490.4 (MANE Select); coding-DNA position 78, G replaced by T.
Protein change: p.Thr26=; no amino-acid change (threonine 26 retained).
Molecular consequence: synonymous variant.
Genome position (GRCh38, 1-based): chr15:25,863,019, C>A on the plus strand (G>T on the coding strand, the complement: ATP10A is on the minus strand). VCF-style: chr15-25863019-C-A. GRCh37 (hg19) VCF-style: chr15-26108166-C-A.
Identifiers: ClinVar variation 3033843 (VCV003033843.2), dbSNP rs557991717, ClinGen allele CA7437252.